The following is an entry in ClinVar:

ClinVar aggregate classification (germline): Pathogenic (1 of 4 stars; one submission).

Submission:

GeneDx
Classification: Pathogenic. Last evaluated: 2018-11-26. Review status: criteria provided, single submitter. Criteria: GeneDx Variant Classification (06012015). Collection method: clinical testing. Allele origin: germline. Affected: yes.
Comment: The E233X variant in the CDKL5 gene has not been published as a pathogenic variant, nor has it been reported as a benign variant to our knowledge. This variant is not observed in large population cohorts (Lek et al., 2016). The E233X variant is predicted to cause loss of normal protein function either through protein truncation or nonsense-mediated mRNA decay. We interpret E233X as a pathogenic variant.

NM_001323289.2(CDKL5):c.697G>T (p.Glu233Ter)

Gene: CDKL5 (cyclin dependent kinase like 5; plus strand). Cytogenetic location: Xp22.13.
Variant type: single nucleotide variant.
Coding change: c.697G>T on transcript NM_001323289.2 (MANE Select); coding-DNA position 697, G replaced by T.
Protein change: p.Glu233Ter; replaces glutamic acid 233 with a stop codon.
Molecular consequence: nonsense.
Genome position (GRCh38, 1-based): chrX:18,588,096, G>T. VCF-style: chrX-18588096-G-T. GRCh37 (hg19) VCF-style: chrX-18606216-G-T.
Other names: c.697G>T, p.Glu233Ter (NM_001037343.2, NM_003159.3); short protein forms E233*.
Identifiers: ClinVar variation 620492 (VCV000620492.1), dbSNP rs1569215664, ClinGen allele CA412353565.